The following is an entry in ClinVar:

ClinVar aggregate classification (germline): Uncertain significance (1 of 4 stars; one submission).

Submission:

Women's Health and Genetics/Laboratory Corporation of America, LabCorp
Classification: Uncertain significance. Last evaluated: 2026-02-16. Review status: criteria provided, single submitter. Criteria: LabCorp Variant Classification Summary - May 2015. Collection method: clinical testing. Allele origin: germline.
Comment: Variant summary: SLC39A5 c.1559dupG (p.Gly521ArgfsX19) results in a premature termination codon in the last exon, predicted to cause a truncation of the encoded protein, however, nonsense mediated decay is not expected to occur. The variant allele was found at a frequency of 4.5e-05 in 245188 control chromosomes. This frequency is not significantly higher than estimated for disease-causing variants in SLC39A5, allowing no conclusion about variant significance. To our knowledge, no occurrence of c.1559dupG in individuals affected with SLC39A5-related conditions and no experimental evidence demonstrating its impact on protein function have been reported. ClinVar contains an entry for this variant (Variation ID: 981102). Based on the evidence outlined above, the variant was classified as uncertain significance.

NM_173596.3(SLC39A5):c.1559dup (p.Gly521fs)

Gene: SLC39A5 (solute carrier family 39 member 5; plus strand). Cytogenetic location: 12q13.3.
Variant type: Duplication.
Coding change: c.1559dup on transcript NM_173596.3 (MANE Select); coding-DNA position 1559, one base duplicated (G; older notation c.1559dupG).
Protein change: p.Gly521fs; shifts the reading frame from glycine 521.
Molecular consequence: frameshift variant.
Genome position (GRCh38, 1-based): chr12:56,237,667, G duplicated; the last of 6 consecutive G bases (chr12:56,237,662-56,237,667); duplicating any one gives the same sequence. VCF-style (leftmost placement, unchanged base first): chr12-56237661-T-TG. GRCh37 (hg19) VCF-style: chr12-56631445-T-TG.
Other names: c.1559dupG (NM_173596.3); c.1559dup, p.Gly521Argfs (NM_001135195.2); short protein forms G521fs.
Identifiers: ClinVar variation 981102 (VCV000981102.2), dbSNP rs776367522, ClinGen allele CA6627480.